The following is an entry in ClinVar:

ClinVar aggregate classification (germline): Uncertain significance (1 of 4 stars; one submission).

Conditions:
STAT3 gain of function. Identifiers: MedGen C4288261.
Hyper-IgE recurrent infection syndrome 1, autosomal dominant. Also called: JOB SYNDROME; Job's Syndrome; STAT3 Hyper IgE Syndrome; Hyper-IgE recurrent infection syndrome 1; HYPER-IgE SYNDROME 1, AUTOSOMAL DOMINANT, WITH RECURRENT INFECTIONS. Identifiers: Orphanet 2314, MedGen C2936739, MONDO:0007818, OMIM 147060.

gnomAD v4.1: 1 of 1,614,074 alleles (0.000062%); highest among the groups gnomAD compares: Non-Finnish European, 0.000085%; no homozygotes.

Submission:

Labcorp Genetics (formerly Invitae), Labcorp
Classification: Uncertain significance for STAT3 gain of function; Hyper-IgE recurrent infection syndrome 1, autosomal dominant. Last evaluated: 2025-09-23. Review status: criteria provided, single submitter. Criteria: Invitae Variant Classification Sherloc (09022015). Collection method: clinical testing. Allele origin: germline.
Comment: This sequence change replaces alanine, which is neutral and non-polar, with serine, which is neutral and polar, at codon 475 of the STAT3 protein (p.Ala475Ser). This variant is not present in population databases (gnomAD no frequency). This variant has not been reported in the literature in individuals affected with STAT3-related conditions. Invitae Evidence Modeling of protein sequence and biophysical properties (such as structural, functional, and spatial information, amino acid conservation, physicochemical variation, residue mobility, and thermodynamic stability) indicates that this missense variant is expected to disrupt STAT3 protein function with a positive predictive value of 80%. In summary, the available evidence is currently insufficient to determine the role of this variant in disease. Therefore, it has been classified as a Variant of Uncertain Significance.

NM_139276.3(STAT3):c.1423G>T (p.Ala475Ser)

Gene: STAT3 (signal transducer and activator of transcription 3; minus strand). Cytogenetic location: 17q21.2.
Variant type: single nucleotide variant.
Coding change: c.1423G>T on transcript NM_139276.3 (MANE Select); coding-DNA position 1423, G replaced by T.
Protein change: p.Ala475Ser; replaces alanine 475 with serine.
Molecular consequence: missense variant.
Genome position (GRCh38, 1-based): chr17:42,325,004, C>A on the plus strand (G>T on the coding strand, the complement: STAT3 is on the minus strand). VCF-style: chr17-42325004-C-A. GRCh37 (hg19) VCF-style: chr17-40477022-C-A.
Other names: c.1423G>T, p.Ala475Ser (NM_001369512.1, NM_001369513.1, NM_001369514.1 and 11 more transcripts); c.1339G>T, p.Ala447Ser (NM_001384984.1); c.1345G>T, p.Ala449Ser (NM_001384985.1); c.1438G>T, p.Ala480Ser (NM_001384986.1, NM_001384990.1); c.1327G>T, p.Ala443Ser (NM_001384989.1); c.1363G>T, p.Ala455Ser (NM_001384992.1); short protein forms A447S, A443S, A449S, A475S, A480S, A455S.
Identifiers: ClinVar variation 4783067 (VCV004783067.1).
Genomic context (GRCh38, chr17:42,325,004, plus strand): 5'-AAAAGGAGGGGGCACTAACCTTGGGATTGTTGGTCAGCATGTTGTACCACAGGATGGACG[C>A]CCAGGCATTTGGCATCTGACAGATGTTGGAGATCACCACAACTGGCAAGGAGTGGGTCTG-3'
Protein context (NP_644805.1, residues 465-485): SNICQMPNAW[Ala475Ser]SILWYNMLTN